The following is an entry in ClinVar:

NM_005199.5(CHRNG):c.144G>A (p.Ser48=)

Gene: CHRNG (cholinergic receptor nicotinic gamma subunit; plus strand). Cytogenetic location: 2q37.1.
Variant type: single nucleotide variant.
Coding change: c.144G>A on transcript NM_005199.5 (MANE Select); coding-DNA position 144, G replaced by A.
Protein change: p.Ser48=; no amino-acid change (serine 48 retained).
Molecular consequence: synonymous variant.
Genome position (GRCh38, 1-based): chr2:232,540,080, G>A. VCF-style: chr2-232540080-G-A. GRCh37 (hg19) VCF-style: chr2-233404790-G-A.
Identifiers: ClinVar variation 259665 (VCV000259665.13), dbSNP rs143153750, ClinGen allele CA2168516.

ClinVar aggregate classification (germline): Benign/Likely benign. Review status: criteria provided, multiple submitters, no conflicts (2 of 4 stars). 5 submissions from 5 submitters: Benign (1); Likely benign (4). Last evaluated 2026-01-25.

Allele frequency attached by ClinVar (database versions not stated): gnomAD exomes 0.00009 and 0.00033; ExAC 0.00039; ESP Exome Variant Server 0.00123; gnomAD 0.00129 and 0.00131; TOPMed 0.00150; 1000 Genomes Project 0.00200; 1000 Genomes Project 30x 0.00234.

Submissions (5):

Labcorp Genetics (formerly Invitae), Labcorp
Classification: Benign. Last evaluated: 2026-01-25. Review status: criteria provided, single submitter. Criteria: Invitae Variant Classification Sherloc (09022015). Collection method: clinical testing. Allele origin: germline.

Blueprint Genetics
Classification: Likely benign. Last evaluated: 2024-10-08. Review status: criteria provided, single submitter. Criteria: ACMG Guidelines, 2015. Collection method: clinical testing. Allele origin: germline.

GeneDx
Classification: Likely benign. Last evaluated: 2019-11-08. Review status: criteria provided, single submitter. Criteria: GeneDx Variant Classification Process June 2021. Collection method: clinical testing. Allele origin: germline. Affected: yes.
Comment: See Variant Classification Assertion Criteria.

Breakthrough Genomics
Classification: Likely benign. Review status: criteria provided, single submitter. Criteria: ACMG Guidelines, 2015. Collection method: not provided. Allele origin: germline. Inheritance: Autosomal recessive inheritance. Affected: yes.

PreventionGenetics, part of Exact Sciences
Classification: Likely benign. Review status: criteria provided, single submitter. Criteria: ACMG Guidelines, 2015. Collection method: clinical testing. Allele origin: germline.